The following is an entry in ClinVar:

NM_000059.4(BRCA2):c.7230del (p.Phe2410fs)

Gene: BRCA2 (BRCA2 DNA repair associated; plus strand). Cytogenetic location: 13q13.1.
Variant type: Deletion.
Coding change: c.7230del on transcript NM_000059.4 (MANE Select); coding-DNA position 7230, one base deleted (T; older notation c.7230delT).
Protein change: p.Phe2410fs; shifts the reading frame from phenylalanine 2410.
Molecular consequence: frameshift variant.
Genome position (GRCh38, 1-based): chr13:32,355,083, T deleted; the last of 4 consecutive T bases (chr13:32,355,080-32,355,083); deleting any one gives the same sequence. VCF-style (leftmost placement, unchanged base first): chr13-32355079-CT-C. GRCh37 (hg19) VCF-style: chr13-32929216-CT-C.
Other names: c.7230delT (NM_000059.3); short protein forms F2410fs.
Identifiers: ClinVar variation 485430 (VCV000485430.19), dbSNP rs1555286052, ClinGen allele CA658656409.
Genomic context (GRCh38, chr13:32,355,079, plus strand): 5'-GAAATGAAAAAATGAGACACTTGATTACTACAGGCAGACCAACCAAAGTCTTTGTTCCAC[CT>C]TTTAAAACTAAATCACATTTTCACAGAGTTGAACAGTGTGTTAGGAATATTAACTTGGAG-3'

ClinVar aggregate classification (germline): Pathogenic. Review status: reviewed by expert panel (3 of 4 stars). 5 submissions from 5 submitters: Pathogenic (1). 4 of the submissions do not count toward it. Last evaluated 2017-12-15.

Conditions:
Hereditary cancer-predisposing syndrome. Also called: Hereditary neoplastic syndrome; Neoplastic Syndromes, Hereditary; Tumor predisposition; Hereditary Cancer Syndrome. Identifiers: Orphanet 140162, MedGen C0027672, MeSH D009386, MONDO:0015356.
Hereditary breast ovarian cancer syndrome. Also called: Hereditary breast and ovarian cancer syndrome (HBOC); Breast and ovarian cancer; Hereditary breast and ovarian cancer syndrome; Hereditary breast and ovarian cancer; Hereditary breast and/or ovarian cancer syndrome; BRCA1- and BRCA2-Associated Hereditary Breast and Ovarian Cancer. Identifiers: Orphanet 145, MedGen C0677776, MeSH D061325, MONDO:0003582. Disease mechanism: loss of function.
Breast-ovarian cancer, familial, susceptibility to, 2 (BROVCA2). Also called: BRCA2 Hereditary Breast and Ovarian Cancer. Identifiers: Orphanet 145, MedGen C2675520, MONDO:0012933, OMIM 612555. Disease mechanism: loss of function.

Submissions (5):

Evidence-based Network for the Interpretation of Germline Mutant Alleles (ENIGMA)
Classification: Pathogenic for Breast-ovarian cancer, familial, susceptibility to, 2. Last evaluated: 2017-12-15. Review status: reviewed by expert panel. Criteria: ENIGMA BRCA1/2 Classification Criteria (2017-06-29). Collection method: curation. Allele origin: germline. Study: ENIGMA.
Comment: Variant allele predicted to encode a truncated non-functional protein.

Labcorp Genetics (formerly Invitae), Labcorp
Classification: Pathogenic for Hereditary breast ovarian cancer syndrome. Last evaluated: 2024-10-27. Review status: criteria provided, single submitter. Criteria: Invitae Variant Classification Sherloc (09022015). Collection method: clinical testing. Allele origin: germline. Not counted in ClinVar's aggregate classification.
Comment: This sequence change creates a premature translational stop signal (p.Phe2410Leufs*59) in the BRCA2 gene. It is expected to result in an absent or disrupted protein product. Loss-of-function variants in BRCA2 are known to be pathogenic (PMID: 20104584). This variant is not present in population databases (gnomAD no frequency). This premature translational stop signal has been observed in individual(s) with family history of breast/ovarian cancer (PMID: 28947987). ClinVar contains an entry for this variant (Variation ID: 485430). For these reasons, this variant has been classified as Pathogenic.

Ambry Genetics
Classification: Pathogenic for Hereditary cancer-predisposing syndrome. Last evaluated: 2024-02-12. Review status: criteria provided, single submitter. Criteria: Ambry Variant Classification Scheme 2023. Collection method: clinical testing. Allele origin: germline. Not counted in ClinVar's aggregate classification.
Comment: The c.7230delT pathogenic mutation, located in coding exon 13 of the BRCA2 gene, results from a deletion of one nucleotide at nucleotide position 7230, causing a translational frameshift with a predicted alternate stop codon (p.F2410Lfs*59). This mutation was identified in an Argentinian high-risk breast/ovarian cancer family (Solano AR et al. Oncotarget, 2017 Sep;8:60487-60495). In addition to the clinical data presented in the literature, this alteration is expected to result in loss of function by premature protein truncation or nonsense-mediated mRNA decay. As such, this alteration is interpreted as a disease-causing mutation.

Women's Health and Genetics/Laboratory Corporation of America, LabCorp
Classification: Pathogenic for Hereditary breast ovarian cancer syndrome. Last evaluated: 2023-07-10. Review status: criteria provided, single submitter. Criteria: LabCorp Variant Classification Summary - May 2015. Collection method: clinical testing. Allele origin: germline. Not counted in ClinVar's aggregate classification.
Comment: Variant summary: BRCA2 c.7230delT (p.Phe2410LeufsX57) results in a premature termination codon, predicted to cause a truncation of the encoded protein or absence of the protein due to nonsense mediated decay, which are commonly known mechanisms for disease. The variant was absent in 251276 control chromosomes (gnomAD). c.7230delT has been reported in the literature in at least one individual with a family history of breast cancer (e.g., Solano_2016). The following publication was ascertained in the context of this evaluation (PMID: 28947987). Four submitters have reported clinical-significance assessments for this variant to ClinVar after 2014. All submitters classified the variant as pathogenic (n = 3) or likely pathogenic (n = 1). Based on the evidence outlined above, the variant was classified as pathogenic.

Counsyl
Classification: Likely pathogenic for Breast-ovarian cancer, familial, susceptibility to, 2. Last evaluated: 2016-12-13. Review status: no assertion criteria provided. Collection method: clinical testing. Allele origin: unknown. Not counted in ClinVar's aggregate classification.

Literature cited by the submitters: PubMed 20104584 (cited by Labcorp Genetics (formerly Invitae), Labcorp); PubMed 28947987 (cited by 3 submitters).